The following is an entry in ClinVar:

ClinVar aggregate classification (germline): Likely pathogenic (1 of 4 stars; one submission).

Conditions:
Ehlers-Danlos syndrome, classic type, 1 (EDSCL1). Also called: Ehlers-Danlos Syndrome, Classic Type, COL5A1-Related; EDS I; Ehlers-Danlos syndrome, type 1; EHLERS-DANLOS SYNDROME, GRAVIS TYPE; EHLERS-DANLOS SYNDROME, SEVERE CLASSIC TYPE. Identifiers: MedGen C0268335, MONDO:0019567, OMIM 130000.

Submission:

Labcorp Genetics (formerly Invitae), Labcorp
Classification: Likely pathogenic for Ehlers-Danlos syndrome, classic type, 1. Last evaluated: 2018-04-03. Review status: criteria provided, single submitter. Criteria: Invitae Variant Classification Sherloc (09022015). Collection method: clinical testing. Allele origin: germline.
Comment: In summary, the currently available evidence indicates that the variant is pathogenic, but additional data are needed to prove that conclusively. Therefore, this variant has been classified as Likely Pathogenic. Donor and acceptor splice site variants typically lead to a loss of protein function (PMID: 16199547), and loss-of-function variants in COL5A1 are known to be pathogenic (PMID: 23587214). Algorithms developed to predict the effect of sequence changes on RNA splicing suggest that this variant may disrupt the consensus splice site, but this prediction has not been confirmed by published transcriptional studies. This variant has not been reported in the literature in individuals with COL5A1-related disease. This variant is not present in population databases (ExAC no frequency). This sequence change affects an acceptor splice site in intron 51 of the COL5A1 gene. It is expected to disrupt RNA splicing and likely results in an absent or disrupted protein product.

Literature cited by the submitters: PubMed 16199547; PubMed 23587214.

NM_000093.5(COL5A1):c.4069-1G>T

Gene: COL5A1 (collagen type V alpha 1 chain; plus strand). Cytogenetic location: 9q34.3.
Variant type: single nucleotide variant.
Coding change: c.4069-1G>T on transcript NM_000093.5 (MANE Select); the canonical splice acceptor site of the intron before coding-DNA position 4069, G replaced by T.
Molecular consequence: splice acceptor variant.
Genome position (GRCh38, 1-based): chr9:134,815,934, G>T. VCF-style: chr9-134815934-G-T. GRCh37 (hg19) VCF-style: chr9-137707780-G-T.
Other names: c.4069-1G>T (NM_001278074.1).
Identifiers: ClinVar variation 573610 (VCV000573610.8), dbSNP rs1564478485, ClinGen allele CA375456318.